The following is an entry in ClinVar:

ClinVar aggregate classification (germline): Benign (1 of 4 stars; one submission).

Conditions:
Colorectal cancer, hereditary nonpolyposis, type 7. Identifiers: Orphanet 144, MedGen C1858380, MONDO:0013725, OMIM 614385.

Submission:

Myriad Genetics, Inc.
Classification: Benign for Colorectal cancer, hereditary nonpolyposis, type 7. Last evaluated: 2026-09-18. Review status: criteria provided, single submitter. Criteria: Myriad Autosomal Dominant, Autosomal Recessive and X-Linked Classification Criteria (2023). Collection method: clinical testing. Allele origin: unknown.
Comment: This variant is considered benign. This variant is a silent/synonymous amino acid change and it is not expected to impact splicing.

NM_001040108.2(MLH3):c.1101A>G (p.Glu367=)

Gene: MLH3 (mutL homolog 3; minus strand). Cytogenetic location: 14q24.3.
Variant type: single nucleotide variant.
Coding change: c.1101A>G on transcript NM_001040108.2 (MANE Select); coding-DNA position 1101, A replaced by G.
Protein change: p.Glu367=; no amino-acid change (glutamic acid 367 retained).
Molecular consequence: synonymous variant.
Genome position (GRCh38, 1-based): chr14:75,048,555, T>C on the plus strand (A>G on the coding strand, the complement: MLH3 is on the minus strand). VCF-style: chr14-75048555-T-C. GRCh37 (hg19) VCF-style: chr14-75515258-T-C.
Other names: c.1101A>G, p.Glu367= (NM_014381.3).
Identifiers: ClinVar variation 5042227 (VCV005042227.1).